The following is an entry in ClinVar:

NM_000098.3(CPT2):c.1394_1403del (p.Ala465fs)

Gene: CPT2 (carnitine palmitoyltransferase 2; plus strand). Cytogenetic location: 1p32.3.
Variant type: Deletion.
Coding change: c.1394_1403del on transcript NM_000098.3 (MANE Select); coding-DNA positions 1394 to 1403, 10 bases deleted (CAGTTGCCCA; older notation c.1394_1403delCAGTTGCCCA).
Protein change: p.Ala465fs; shifts the reading frame from alanine 465.
Molecular consequence: frameshift variant.
Genome position (GRCh38, 1-based): chr1:53,211,068-53,211,077, CAGTTGCCCA deleted. VCF-style (leftmost placement, unchanged base first): chr1-53211067-GCAGTTGCCCA-G. GRCh37 (hg19) VCF-style: chr1-53676739-GCAGTTGCCCA-G.
Other names: c.1394_1403del, p.Ala465fs (NM_001330589.2); short protein forms A465fs.
Identifiers: ClinVar variation 1073732 (VCV001073732.7), dbSNP rs2100274299, ClinGen allele CA2499214811.

ClinVar aggregate classification (germline): Pathogenic (1 of 4 stars; one submission).

Conditions:
Carnitine palmitoyltransferase II deficiency. Also called: Carnitine Palmitoyltransferase 2 Deficiency. Identifiers: Orphanet 157, MedGen C0342790, MONDO:0015515.

Submission:

Labcorp Genetics (formerly Invitae), Labcorp
Classification: Pathogenic for Carnitine palmitoyltransferase II deficiency. Last evaluated: 2023-09-21. Review status: criteria provided, single submitter. Criteria: Invitae Variant Classification Sherloc (09022015). Collection method: clinical testing. Allele origin: germline.
Comment: This variant has not been reported in the literature in individuals affected with CPT2-related conditions. For these reasons, this variant has been classified as Pathogenic. ClinVar contains an entry for this variant (Variation ID: 1073732). This variant is not present in population databases (gnomAD no frequency). This sequence change creates a premature translational stop signal (p.Ala465Glyfs*64) in the CPT2 gene. It is expected to result in an absent or disrupted protein product. Loss-of-function variants in CPT2 are known to be pathogenic (PMID: 16781677, 16996287).

Literature cited by the submitters: PubMed 16781677; PubMed 16996287.